The following is an entry in ClinVar:

NM_001351132.2(PEX5):c.496C>G (p.Gln166Glu)

Gene: PEX5 (peroxisomal biogenesis factor 5; plus strand). Cytogenetic location: 12p13.31.
Variant type: single nucleotide variant.
Coding change: c.496C>G on transcript NM_001351132.2 (MANE Select); coding-DNA position 496, C replaced by G.
Protein change: p.Gln166Glu; replaces glutamine 166 with glutamic acid.
Molecular consequence: missense variant.
Genome position (GRCh38, 1-based): chr12:7,199,058, C>G. VCF-style: chr12-7199058-C-G. GRCh37 (hg19) VCF-style: chr12-7351654-C-G.
Other names: c.496C>G, p.Gln166Glu (NM_001351133.2, NM_001351134.2, NM_001351136.2 and 19 more transcripts); c.541C>G, p.Gln181Glu (NM_001351135.3, NM_001351138.2, NM_001131023.2); short protein forms Q166E, Q181E.
Identifiers: ClinVar variation 449585 (VCV000449585.17), dbSNP rs751043763, ClinGen allele CA6426155.

ClinVar aggregate classification (germline): Uncertain significance. Review status: criteria provided, multiple submitters, no conflicts (2 of 4 stars). 7 submissions from 7 submitters: Uncertain significance (7). Last evaluated 2025-10-15.

Conditions:
PEX5-related disorder. Also called: PEX5-Related Disorders; PEX5-related condition.
Inborn genetic diseases. Identifiers: MedGen C0950123, MeSH D030342.
Peroxisome biogenesis disorder 2A (Zellweger) (PBD2A). Also called: Cerebrohepatorenal syndrome, variant types. Identifiers: Orphanet 912, MedGen C3550273, MONDO:0008954, OMIM 214110.
Peroxisome biogenesis disorder 2B (PBD2B). Identifiers: Orphanet 44, MedGen C3550234, MONDO:0008736, OMIM 202370.

Allele frequency attached by ClinVar (database versions not stated): TOPMed 0.00007; gnomAD exomes 0.00008; gnomAD 0.00009 and 0.00011; ExAC 0.00010.
gnomAD v4.1: 129 of 1,610,182 alleles (0.008%); highest among the groups gnomAD compares: Non-Finnish European, 0.0066%; no homozygotes.

Submissions (7):

PreventionGenetics, part of Exact Sciences
Classification: Uncertain significance for PEX5-related condition. Last evaluated: 2025-10-15. Review status: criteria provided, single submitter. Criteria: ACMG Guidelines, 2015. Collection method: clinical testing. Allele origin: germline.
Comment: The PEX5 c.496C>G variant is predicted to result in the amino acid substitution p.Gln166Glu. To our knowledge, this variant has not been reported in the literature. This variant is reported in 0.11% of alleles in individuals of Ashkenazi Jewish descent in gnomAD. Although we suspect that this variant may be benign, at this time, the clinical significance of this variant is uncertain due to the absence of conclusive functional and genetic evidence.

Blueprint Genetics
Classification: Uncertain significance. Last evaluated: 2024-06-18. Review status: criteria provided, single submitter. Criteria: ACMG Guidelines, 2015. Collection method: clinical testing. Allele origin: germline.

Labcorp Genetics (formerly Invitae), Labcorp
Classification: Uncertain significance for Peroxisome biogenesis disorder 2B. Last evaluated: 2022-08-21. Review status: criteria provided, single submitter. Criteria: Invitae Variant Classification Sherloc (09022015). Collection method: clinical testing. Allele origin: germline.
Comment: This sequence change replaces glutamine, which is neutral and polar, with glutamic acid, which is acidic and polar, at codon 166 of the PEX5 protein (p.Gln166Glu). This variant is present in population databases (rs751043763, gnomAD 0.1%). This variant has not been reported in the literature in individuals affected with PEX5-related conditions. ClinVar contains an entry for this variant (Variation ID: 449585). Algorithms developed to predict the effect of missense changes on protein structure and function are either unavailable or do not agree on the potential impact of this missense change (SIFT: "Deleterious"; PolyPhen-2: "Benign"; Align-GVGD: "Class C0"). In summary, the available evidence is currently insufficient to determine the role of this variant in disease. Therefore, it has been classified as a Variant of Uncertain Significance.

Ambry Genetics
Classification: Uncertain significance for Inborn genetic diseases. Last evaluated: 2021-08-02. Review status: criteria provided, single submitter. Criteria: Ambry Variant Classification Scheme 2023. Collection method: clinical testing. Allele origin: germline.

Illumina Laboratory Services, Illumina
Classification: Uncertain significance for Peroxisome biogenesis disorder 2A (Zellweger). Last evaluated: 2018-03-16. Review status: criteria provided, single submitter. Criteria: ICSL Variant Classification Criteria 13 December 2019. Collection method: clinical testing. Allele origin: germline.

Eurofins Ntd Llc (ga)
Classification: Uncertain significance. Last evaluated: 2018-01-11. Review status: criteria provided, single submitter. Criteria: EGL Classification Definitions 2015. Collection method: clinical testing. Allele origin: germline. Observed: 2 variant alleles, 2 heterozygotes.

GeneDx
Classification: Uncertain significance. Last evaluated: 2015-11-11. Review status: criteria provided, single submitter. Criteria: GeneDx Variant Classification (06012015). Collection method: clinical testing. Allele origin: germline. Affected: yes.
Comment: The Q166E variant in the PEX5 gene has not been reported previously as a pathogenic variant, nor as a benign variant, to our knowledge. The Q166E variant was not observed in approximately 6500 individuals of European and African American ancestry in the NHLBI Exome Sequencing Project, indicating it is not a common benign variant in these populations. The Q166E variant is a semi-conservative amino acid substitution, which occurs at a position that is conserved across species. In silico analysis is inconsistent in its predictions as to whether or not the variant is damaging to the protein structure/function. We interpret Q166E as a variant of uncertain significance.